The following is an entry in ClinVar:

NM_024753.5(TTC21B):c.1087G>T (p.Gly363Ter)

Gene: TTC21B (tetratricopeptide repeat domain 21B; minus strand). Cytogenetic location: 2q24.3.
Variant type: single nucleotide variant.
Coding change: c.1087G>T on transcript NM_024753.5 (MANE Select); coding-DNA position 1087, G replaced by T.
Protein change: p.Gly363Ter; replaces glycine 363 with a stop codon.
Molecular consequence: nonsense.
Genome position (GRCh38, 1-based): chr2:165,930,172, C>A on the plus strand (G>T on the coding strand, the complement: TTC21B is on the minus strand). VCF-style: chr2-165930172-C-A. GRCh37 (hg19) VCF-style: chr2-166786682-C-A.
Other names: short protein forms G363*.
Identifiers: ClinVar variation 1999508 (VCV001999508.4), dbSNP rs2468212127, ClinGen allele CA349066443.

ClinVar aggregate classification (germline): Pathogenic (1 of 4 stars; one submission).

Conditions:
Jeune thoracic dystrophy. Also called: Jeune syndrome; Infantile thoracic dystrophy; Thoracic pelvic phalangeal dystrophy; Jeune's syndrome; Chondroectodermal dysplasia-like syndrome; Short-rib thoracic dysplasia. Identifiers: Orphanet 474, MedGen C0265275, MONDO:0018770.
Nephronophthisis. Also called: Juvenile Nephronophthisis. Identifiers: Orphanet 655, MedGen C0687120, MONDO:0019005, HP:0000090.

Submission:

Labcorp Genetics (formerly Invitae), Labcorp
Classification: Pathogenic for Jeune thoracic dystrophy; Nephronophthisis. Last evaluated: 2022-05-27. Review status: criteria provided, single submitter. Criteria: Invitae Variant Classification Sherloc (09022015). Collection method: clinical testing. Allele origin: germline.
Comment: This sequence change creates a premature translational stop signal (p.Gly363*) in the TTC21B gene. It is expected to result in an absent or disrupted protein product. Loss-of-function variants in TTC21B are known to be pathogenic (PMID: 18327258, 21068128, 21258341, 23559409, 24876116, 25492405, 27491411, 29068549). This variant is not present in population databases (gnomAD no frequency). This variant has not been reported in the literature in individuals affected with TTC21B-related conditions. Algorithms developed to predict the effect of sequence changes on RNA splicing suggest that this variant may disrupt the consensus splice site. For these reasons, this variant has been classified as Pathogenic.

Literature cited by the submitters: PubMed 18327258; PubMed 21068128; PubMed 21258341; PubMed 23559409; PubMed 24876116; PubMed 25492405; PubMed 27491411; PubMed 29068549.